The following is an entry in ClinVar:

ClinVar aggregate classification (germline): Uncertain significance (1 of 4 stars; one submission).

Conditions:
Hereditary cancer-predisposing syndrome. Also called: Hereditary neoplastic syndrome; Hereditary Cancer Syndrome; Neoplastic Syndromes, Hereditary; Tumor predisposition. Identifiers: Orphanet 140162, MedGen C0027672, MeSH D009386, MONDO:0015356.

Submission:

Ambry Genetics
Classification: Uncertain significance for Hereditary cancer-predisposing syndrome. Last evaluated: 2023-04-27. Review status: criteria provided, single submitter. Criteria: Ambry Variant Classification Scheme 2023. Collection method: clinical testing. Allele origin: germline.
Comment: The p.V128A variant (also known as c.383T>C), located in coding exon 2 of the BLM gene, results from a T to C substitution at nucleotide position 383. The valine at codon 128 is replaced by alanine, an amino acid with similar properties. This amino acid position is conserved. In addition, this alteration is predicted to be tolerated by in silico analysis. Since supporting evidence is limited at this time, the clinical significance of this alteration remains unclear.

NM_000057.4(BLM):c.383T>C (p.Val128Ala)

Gene: BLM (BLM RecQ like helicase; plus strand). Cytogenetic location: 15q26.1.
Variant type: single nucleotide variant.
Coding change: c.383T>C on transcript NM_000057.4 (MANE Select); coding-DNA position 383, T replaced by C.
Protein change: p.Val128Ala; replaces valine 128 with alanine.
Molecular consequence: missense variant. On other transcripts: 5 prime UTR variant (1).
Genome position (GRCh38, 1-based): chr15:90,749,651, T>C. VCF-style: chr15-90749651-T-C. GRCh37 (hg19) VCF-style: chr15-91292881-T-C.
Other names: c.383T>C, p.Val128Ala (NM_001287246.2, NM_001287247.2); c.-909T>C (NM_001287248.2); short protein forms V128A.
Identifiers: ClinVar variation 2566826 (VCV002566826.2), dbSNP rs2505391975, ClinGen allele CA393840430.